The following is an entry in ClinVar:

NM_000179.3(MSH6):c.114C>T (p.Pro38=)

Gene: MSH6 (mutS homolog 6; plus strand). Cytogenetic location: 2p16.3.
Variant type: single nucleotide variant.
Coding change: c.114C>T on transcript NM_000179.3 (MANE Select); coding-DNA position 114, C replaced by T.
Protein change: p.Pro38=; no amino-acid change (proline 38 retained).
Molecular consequence: synonymous variant. On other transcripts: 5 prime UTR variant (1).
Genome position (GRCh38, 1-based): chr2:47,783,347, C>T. VCF-style: chr2-47783347-C-T. GRCh37 (hg19) VCF-style: chr2-48010486-C-T.
Other names: c.114C>T, p.Pro38= (NM_001281492.2); c.-623C>T (NM_001281493.2).
Identifiers: ClinVar variation 184795 (VCV000184795.17), dbSNP rs786201700, ClinGen allele CA008148.

ClinVar aggregate classification (germline): Benign/Likely benign. Review status: criteria provided, multiple submitters, no conflicts (2 of 4 stars). 4 submissions from 4 submitters: Benign (1); Likely benign (3). Last evaluated 2026-01-11.

Conditions:
Hereditary nonpolyposis colorectal neoplasms. Identifiers: MedGen C0009405, MeSH D003123.
Hereditary cancer-predisposing syndrome. Also called: Hereditary neoplastic syndrome; Neoplastic Syndromes, Hereditary; Tumor predisposition; Hereditary Cancer Syndrome. Identifiers: Orphanet 140162, MedGen C0027672, MeSH D009386, MONDO:0015356.
Lynch syndrome 5 (LYNCH5). Also called: Hereditary non-polyposis colorectal cancer, type 5; Colorectal cancer, hereditary nonpolyposis, type 5. Identifiers: Orphanet 144, MedGen C1833477, MONDO:0013710, OMIM 614350. Disease mechanism: loss of function.

Allele frequency attached by ClinVar (database versions not stated): gnomAD exomes below 0.00001; TOPMed below 0.00001.
gnomAD v4.1: 2 of 1,609,276 alleles (0.00012%); highest among the groups gnomAD compares: Admixed American, 0.0017%; no homozygotes.

Submissions (4):

Labcorp Genetics (formerly Invitae), Labcorp
Classification: Likely benign for Hereditary nonpolyposis colorectal neoplasms. Last evaluated: 2026-01-11. Review status: criteria provided, single submitter. Criteria: Invitae Variant Classification Sherloc (09022015). Collection method: clinical testing. Allele origin: germline.

Myriad Genetics, Inc.
Classification: Benign for Lynch syndrome 5. Last evaluated: 2024-12-17. Review status: criteria provided, single submitter. Criteria: Myriad Autosomal Dominant, Autosomal Recessive and X-Linked Classification Criteria (2023). Collection method: clinical testing. Allele origin: unknown.
Comment: This variant is considered benign. This variant is a silent/synonymous amino acid change and it is not expected to impact splicing.

Color Diagnostics, LLC DBA Color Health
Classification: Likely benign for Hereditary cancer-predisposing syndrome. Last evaluated: 2018-11-29. Review status: criteria provided, single submitter. Criteria: ACMG Guidelines, 2015. Collection method: clinical testing. Allele origin: germline.

Ambry Genetics
Classification: Likely benign for Hereditary cancer-predisposing syndrome. Last evaluated: 2014-09-17. Review status: criteria provided, single submitter. Criteria: Ambry Variant Classification Scheme 2023. Collection method: clinical testing. Allele origin: germline.